The following is an entry in ClinVar:

NM_153252.5(BRWD3):c.3566A>C (p.Asn1189Thr)

Gene: BRWD3 (bromodomain and WD repeat domain containing 3; minus strand). Cytogenetic location: Xq21.1.
Variant type: single nucleotide variant.
Coding change: c.3566A>C on transcript NM_153252.5 (MANE Select); coding-DNA position 3566, A replaced by C.
Protein change: p.Asn1189Thr; replaces asparagine 1189 with threonine.
Molecular consequence: missense variant.
Genome position (GRCh38, 1-based): chrX:80,691,089, T>G on the plus strand (A>C on the coding strand, the complement: BRWD3 is on the minus strand). VCF-style: chrX-80691089-T-G. GRCh37 (hg19) VCF-style: chrX-79946588-T-G.
Other names: c.3416A>C, p.Asn1139Thr (NM_001441339.1); short protein forms N1139T, N1189T.
Identifiers: ClinVar variation 4853474 (VCV004853474.1).

ClinVar aggregate classification (germline): Uncertain significance (1 of 4 stars; one submission).

Submission:

Women's Health and Genetics/Laboratory Corporation of America, LabCorp
Classification: Uncertain significance. Last evaluated: 2026-05-07. Review status: criteria provided, single submitter. Criteria: LabCorp Variant Classification Summary - May 2015. Collection method: clinical testing. Allele origin: germline.
Comment: Variant summary: BRWD3 c.3566A>C (p.Asn1189Thr) results in a non-conservative amino acid change in the encoded protein sequence. Algorithms developed to predict the effect of missense changes on protein structure and function are either unavailable or do not agree on the potential impact of this missense change. The variant was absent in 183044 control chromosomes. The available data on variant occurrences in the general population are insufficient to allow any conclusion about variant significance. To our knowledge, no occurrence of c.3566A>C in individuals affected with BRWD3-related conditions and no experimental evidence demonstrating its impact on protein function have been reported. No submitters have cited clinical-significance assessments for this variant to ClinVar. Based on the evidence outlined above, the variant was classified as uncertain significance.